The following is an entry in ClinVar:

NM_001042492.3(NF1):c.2929G>T (p.Glu977Ter)

Gene: NF1 (neurofibromin 1; plus strand). Cytogenetic location: 17q11.2.
Variant type: single nucleotide variant.
Coding change: c.2929G>T on transcript NM_001042492.3 (MANE Select); coding-DNA position 2929, G replaced by T.
Protein change: p.Glu977Ter; replaces glutamic acid 977 with a stop codon.
Molecular consequence: nonsense.
Genome position (GRCh38, 1-based): chr17:31,229,913, G>T. VCF-style: chr17-31229913-G-T. GRCh37 (hg19) VCF-style: chr17-29556931-G-T.
Other names: c.2929G>T, p.Glu977Ter (NM_000267.4); short protein forms E977*.
Identifiers: ClinVar variation 1396228 (VCV001396228.6), dbSNP rs2151430686, ClinGen allele CA398986230.

ClinVar aggregate classification (germline): Pathogenic (1 of 4 stars; one submission).

Conditions:
Neurofibromatosis, type 1 (NF1). Also called: VON RECKLINGHAUSEN DISEASE; Neurofibromatosis, type I; NEUROFIBROMATOSIS, TYPE I, SOMATIC; Peripheral type neurofibromatosis. Identifiers: Orphanet 636, MedGen C0027831, MONDO:0018975, OMIM 162200. Disease mechanism: loss of function.

Submission:

Labcorp Genetics (formerly Invitae), Labcorp
Classification: Pathogenic for Neurofibromatosis, type 1. Last evaluated: 2021-10-07. Review status: criteria provided, single submitter. Criteria: Invitae Variant Classification Sherloc (09022015). Collection method: clinical testing. Allele origin: germline.
Comment: For these reasons, this variant has been classified as Pathogenic. This variant has not been reported in the literature in individuals affected with NF1-related conditions. This variant is not present in population databases (ExAC no frequency). This sequence change creates a premature translational stop signal (p.Glu977*) in the NF1 gene. It is expected to result in an absent or disrupted protein product. Loss-of-function variants in NF1 are known to be pathogenic (PMID: 10712197, 23913538).

Literature cited by the submitters: PubMed 10712197; PubMed 23913538.